The following is an entry in ClinVar:

NM_024548.4(CEP97):c.265C>T (p.His89Tyr)

Gene: CEP97 (centrosomal protein 97; plus strand). Cytogenetic location: 3q12.3.
Variant type: single nucleotide variant.
Coding change: c.265C>T on transcript NM_024548.4 (MANE Select); coding-DNA position 265, C replaced by T.
Protein change: p.His89Tyr; replaces histidine 89 with tyrosine.
Molecular consequence: missense variant.
Genome position (GRCh38, 1-based): chr3:101,727,461, C>T. VCF-style: chr3-101727461-C-T. GRCh37 (hg19) VCF-style: chr3-101446305-C-T.
Other names: c.265C>T, p.His89Tyr (NM_001303401.2, NM_001410784.1, NM_001410785.1); c.265C>T (NM_024548.2); short protein forms H89Y.
Identifiers: ClinVar variation 2147697 (VCV002147697.5), dbSNP rs191543705, ClinGen allele CA79785432.

ClinVar aggregate classification (germline): Uncertain significance. Review status: criteria provided, multiple submitters, no conflicts (2 of 4 stars). 2 submissions from 2 submitters: Uncertain significance (2). Last evaluated 2025-12-26.

Allele frequency attached by ClinVar (database versions not stated): gnomAD 0.00015; 1000 Genomes Project 30x 0.00016; 1000 Genomes Project 0.00020; TOPMed 0.00043.
gnomAD v4.1: 40 of 1,613,880 alleles (0.0025%); highest among the groups gnomAD compares: Admixed American, 0.052%; no homozygotes.

Submissions (2):

Labcorp Genetics (formerly Invitae), Labcorp
Classification: Uncertain significance. Last evaluated: 2025-12-26. Review status: criteria provided, single submitter. Criteria: Invitae Variant Classification Sherloc (09022015). Collection method: clinical testing. Allele origin: germline.
Comment: This sequence change replaces histidine, which is basic and polar, with tyrosine, which is neutral and polar, at codon 89 of the CEP97 protein (p.His89Tyr). This variant is present in population databases (rs191543705, gnomAD 0.006%). This variant has not been reported in the literature in individuals affected with CEP97-related conditions. ClinVar contains an entry for this variant (Variation ID: 2147697). Invitae Evidence Modeling of protein sequence and biophysical properties (such as structural, functional, and spatial information, amino acid conservation, physicochemical variation, residue mobility, and thermodynamic stability) indicates that this missense variant is not expected to disrupt CEP97 protein function with a negative predictive value of 80%. In summary, the available evidence is currently insufficient to determine the role of this variant in disease. Therefore, it has been classified as a Variant of Uncertain Significance.

Ambry Genetics
Classification: Uncertain significance. Last evaluated: 2021-07-15. Review status: criteria provided, single submitter. Criteria: Ambry Variant Classification Scheme 2023. Collection method: clinical testing. Allele origin: germline.